The following is an entry in ClinVar:

NM_001376.5(DYNC1H1):c.11862C>T (p.Asp3954=)

Gene: DYNC1H1 (dynein cytoplasmic 1 heavy chain 1; plus strand). Cytogenetic location: 14q32.31.
Variant type: single nucleotide variant.
Coding change: c.11862C>T on transcript NM_001376.5 (MANE Select); coding-DNA position 11862, C replaced by T.
Protein change: p.Asp3954=; no amino-acid change (aspartic acid 3954 retained).
Molecular consequence: synonymous variant.
Genome position (GRCh38, 1-based): chr14:102,040,407, C>T. VCF-style: chr14-102040407-C-T. GRCh37 (hg19) VCF-style: chr14-102506744-C-T.
Identifiers: ClinVar variation 507446 (VCV000507446.19), dbSNP rs140543419, ClinGen allele CA7353741.

ClinVar aggregate classification (germline): Benign/Likely benign. Review status: criteria provided, multiple submitters, no conflicts (2 of 4 stars). 5 submissions from 5 submitters: Benign (1); Likely benign (3). 1 of the submissions does not count toward it. Last evaluated 2025-10-20.

Conditions:
DYNC1H1-related disorder. Also called: DYNC1H1-related condition; DYNC1H1-related disorders. Identifiers: MedGen CN381529.
Charcot-Marie-Tooth disease axonal type 2O. Also called: Charcot-Marie-Tooth disease, axonal, type 20; CHARCOT-MARIE-TOOTH NEUROPATHY, AXONAL, TYPE 2O; CHARCOT-MARIE-TOOTH DISEASE, AXONAL, AUTOSOMAL DOMINANT, TYPE 2O; Charcot-Marie-Tooth Neuropathy Type 2O. Identifiers: Orphanet 284232, MedGen C3280220, MONDO:0013644, OMIM 614228.

Allele frequency attached by ClinVar (database versions not stated): gnomAD exomes 0.00002 and 0.00006; ExAC 0.00008; gnomAD 0.00018 and 0.00021; TOPMed 0.00025; ESP Exome Variant Server 0.00031.
gnomAD v4.1: 63 of 1,614,002 alleles (0.0039%); highest among the groups gnomAD compares: African/African-American, 0.053%; no homozygotes.

Submissions (5):

Labcorp Genetics (formerly Invitae), Labcorp
Classification: Likely benign for Charcot-Marie-Tooth disease axonal type 2O. Last evaluated: 2025-10-20. Review status: criteria provided, single submitter. Criteria: Invitae Variant Classification Sherloc (09022015). Collection method: clinical testing. Allele origin: germline.

Women's Health and Genetics/Laboratory Corporation of America, LabCorp
Classification: Benign. Last evaluated: 2024-12-02. Review status: criteria provided, single submitter. Criteria: LabCorp Variant Classification Summary - May 2015. Collection method: clinical testing. Allele origin: germline.

Blueprint Genetics
Classification: Likely benign. Last evaluated: 2024-03-22. Review status: criteria provided, single submitter. Criteria: ACMG Guidelines, 2015. Collection method: clinical testing. Allele origin: germline.

GeneDx
Classification: Likely benign. Last evaluated: 2020-07-13. Review status: criteria provided, single submitter. Criteria: GeneDx Variant Classification Process June 2021. Collection method: clinical testing. Allele origin: germline. Affected: yes.

PreventionGenetics, part of Exact Sciences
Classification: Likely benign for DYNC1H1-related condition. Last evaluated: 2023-12-21. Review status: no assertion criteria provided. Collection method: clinical testing. Allele origin: germline. Not counted in ClinVar's aggregate classification.
Comment: This variant is classified as likely benign based on ACMG/AMP sequence variant interpretation guidelines (Richards et al. 2015 PMID: 25741868, with internal and published modifications).